The following is an entry in ClinVar:

ClinVar aggregate classification (germline): Benign. Review status: criteria provided, multiple submitters, no conflicts (2 of 4 stars). 3 submissions from 2 submitters: Benign (3). Last evaluated 2018-01-13.

Conditions:
Cone-rod dystrophy 11 (CORD11). Identifiers: Orphanet 1872, MedGen C1835865, MONDO:0012483, OMIM 610381.
Age related macular degeneration 6. Identifiers: MedGen C3151060, MONDO:0013406, OMIM 613757.

Allele frequency attached by ClinVar (database versions not stated): 1000 Genomes Project 0.11681; gnomAD exomes 0.12639; 1000 Genomes Project 30x 0.12648; TOPMed 0.14783; gnomAD 0.16473 and 0.16734.

Submissions (3):

Illumina Laboratory Services, Illumina
Classification: Benign for Age related macular degeneration 6. Last evaluated: 2018-01-13. Review status: criteria provided, single submitter. Criteria: ICSL Variant Classification Criteria 13 December 2019. Collection method: clinical testing. Allele origin: germline.
Comment: This variant was observed in the ICSL laboratory as part of a predisposition screen in an ostensibly healthy population. It had not been previously curated by ICSL or reported in the Human Gene Mutation Database (HGMD: prior to June 1st, 2018), and was therefore a candidate for classification through an automated scoring system. Utilizing variant allele frequency, disease prevalence and penetrance estimates, and inheritance mode, an automated score was calculated to assess if this variant is too frequent to cause the disease. Based on the score and internal cut-off values, a variant classified as benign is not then subjected to further curation. The score for this variant resulted in a classification of benign for this disease.

Illumina Laboratory Services, Illumina
Classification: Benign for Cone-rod dystrophy 11. Last evaluated: 2018-01-13. Review status: criteria provided, single submitter. Criteria: ICSL Variant Classification Criteria 13 December 2019. Collection method: clinical testing. Allele origin: germline.
Comment: the same text as in the submission from Illumina Laboratory Services, Illumina above.

Breakthrough Genomics
Classification: Benign. Review status: criteria provided, single submitter. Criteria: ACMG Guidelines, 2015. Collection method: not provided. Allele origin: germline. Inheritance: Autosomal recessive inheritance. Affected: yes.

NM_001319074.4(RAX2):c.*720G>A

Gene: RAX2 (retina and anterior neural fold homeobox 2; minus strand). Cytogenetic location: 19p13.3.
Variant type: single nucleotide variant.
Coding change: c.*720G>A on transcript NM_001319074.4 (MANE Select); 720 bases downstream of the stop codon, G replaced by A.
Molecular consequence: 3 prime UTR variant.
Genome position (GRCh38, 1-based): chr19:3,769,901, C>T on the plus strand (G>A on the coding strand, the complement: RAX2 is on the minus strand). VCF-style: chr19-3769901-C-T. GRCh37 (hg19) VCF-style: chr19-3769899-C-T.
Other names: c.*720G>A (NM_032753.4).
Identifiers: ClinVar variation 328955 (VCV000328955.6), dbSNP rs917547, ClinGen allele CA10651800.
Genomic context (GRCh38, chr19:3,769,901, plus strand): 5'-TGACGATGACGACACACCCAGCATCAGCCCGCCTCCACCTGGAGGCCCACCAGCACCTGG[C>T]CCGGGACCCACCCTCTCTCCAGAACCTGTCGCTGTGCCCCGGACGGTAGGACCGGTGATG-3'